The following is an entry in ClinVar:

ClinVar aggregate classification (germline): Uncertain significance (1 of 4 stars; one submission).

Conditions:
Familial adenomatous polyposis 1 (FAP1). Also called: FAMILIAL ADENOMATOUS POLYPOSIS 1, ATTENUATED; POLYPOSIS, ADENOMATOUS INTESTINAL. Identifiers: MedGen C2713442, MONDO:0021056, OMIM 175100. Disease mechanism: loss of function.

Submission:

Labcorp Genetics (formerly Invitae), Labcorp
Classification: Uncertain significance for Familial adenomatous polyposis 1. Last evaluated: 2023-03-18. Review status: criteria provided, single submitter. Criteria: Invitae Variant Classification Sherloc (09022015). Collection method: clinical testing. Allele origin: germline.
Comment: In summary, the available evidence is currently insufficient to determine the role of this variant in disease. Therefore, it has been classified as a Variant of Uncertain Significance. Advanced modeling of protein sequence and biophysical properties (such as structural, functional, and spatial information, amino acid conservation, physicochemical variation, residue mobility, and thermodynamic stability) performed at Invitae indicates that this missense variant is not expected to disrupt APC protein function. This variant has not been reported in the literature in individuals affected with APC-related conditions. This variant is not present in population databases (gnomAD no frequency). This sequence change replaces asparagine, which is neutral and polar, with lysine, which is basic and polar, at codon 2411 of the APC protein (p.Asn2411Lys).

NM_000038.6(APC):c.7233T>G (p.Asn2411Lys)

Gene: APC (APC regulator of Wnt signaling pathway; plus strand). Cytogenetic location: 5q22.2.
Variant type: single nucleotide variant.
Coding change: c.7233T>G on transcript NM_000038.6 (MANE Select); coding-DNA position 7233, T replaced by G.
Protein change: p.Asn2411Lys; replaces asparagine 2411 with lysine.
Molecular consequence: missense variant. On other transcripts: non-coding transcript variant (2).
Genome position (GRCh38, 1-based): chr5:112,842,827, T>G. VCF-style: chr5-112842827-T-G. GRCh37 (hg19) VCF-style: chr5-112178524-T-G.
Other names: c.7233T>G, p.Asn2411Lys (NM_001127510.3, NM_001354895.2, NM_001407450.1); c.7179T>G, p.Asn2393Lys (NM_001127511.3); c.7287T>G, p.Asn2429Lys (NM_001354896.2, NM_001407447.1, NM_001407448.1 and 1 more transcripts); c.7263T>G, p.Asn2421Lys (NM_001354897.2); c.7158T>G, p.Asn2386Lys (NM_001354898.2); c.7149T>G, p.Asn2383Lys (NM_001354899.2); c.7110T>G, p.Asn2370Lys (NM_001354900.2); c.7056T>G, p.Asn2352Lys (NM_001354901.2, NM_001407453.1); and 11 more; short protein forms N2251K, N2352K, N2439K, N2282K, N2285K, N2383K, N2386K, N2401K.
Identifiers: ClinVar variation 2846877 (VCV002846877.3), dbSNP rs2533778471, ClinGen allele CA16037086.